The following is an entry in ClinVar:

NM_000642.3(AGL):c.34del (p.Leu11_Leu12insTer)

Gene: AGL (amylo-alpha-1,6-glucosidase and 4-alpha-glucanotransferase; plus strand). Cytogenetic location: 1p21.2.
Variant type: Deletion.
Coding change: c.34del on transcript NM_000642.3 (MANE Select); coding-DNA position 34, one base deleted (C; older notation c.34delC).
Protein change: p.Leu11_Leu12insTer.
Molecular consequence: nonsense. On other transcripts: 5 prime UTR variant (1).
Genome position (GRCh38, 1-based): chr1:99,851,076, C deleted. VCF-style (leftmost placement, unchanged base first): chr1-99851075-TC-T. GRCh37 (hg19) VCF-style: chr1-100316631-TC-T.
Other names: c.34del, p.Leu11_Leu12insTer (NM_000028.3, NM_000643.3, NM_000644.3 and 6 more transcripts); c.-158del (NM_000646.3).
Identifiers: ClinVar variation 4762696 (VCV004762696.2).

ClinVar aggregate classification (germline): Pathogenic. Review status: criteria provided, multiple submitters, no conflicts (2 of 4 stars). 2 submissions from 2 submitters: Pathogenic (2). Last evaluated 2026-05-27.

Conditions:
Glycogen storage disease type III (GSD3). Also called: Cori disease; FORBES DISEASE. Identifiers: Orphanet 366, MedGen C0017922, MONDO:0009291, OMIM 232400.

Submissions (2):

Myriad Genetics, Inc.
Classification: Pathogenic for Glycogen storage disease type III. Last evaluated: 2026-05-27. Review status: criteria provided, single submitter. Criteria: Myriad Autosomal Dominant, Autosomal Recessive and X-Linked Classification Criteria (2023). Collection method: clinical testing. Allele origin: unknown.
Comment: NM_000642.2(AGL):c.34delC(L12*) is a nonsense variant classified as pathogenic in the context of glycogen storage disease type III. L12* has not been observed in cases with relevant disease. Relevant functional assessments of this variant are not available in the literature. L12* has not been observed in referenced population frequency databases. In summary, NM_000642.2(AGL):c.34delC(L12*) is a nonsense variant in a gene where loss of function is a known mechanism of disease and is predicted to disrupt protein function. Please note: this variant was assessed in the context of healthy population screening.

Labcorp Genetics (formerly Invitae), Labcorp
Classification: Pathogenic for Glycogen storage disease type III. Last evaluated: 2025-02-06. Review status: criteria provided, single submitter. Criteria: Invitae Variant Classification Sherloc (09022015). Collection method: clinical testing. Allele origin: germline.
Comment: This sequence change creates a premature translational stop signal (p.Leu12*) in the AGL gene. It is expected to result in an absent or disrupted protein product. Loss-of-function variants in AGL are known to be pathogenic (PMID: 19299494). This variant is not present in population databases (gnomAD no frequency). This variant has not been reported in the literature in individuals affected with AGL-related conditions. For these reasons, this variant has been classified as Pathogenic.

Literature cited by the submitters: PubMed 19299494 (cited by Labcorp Genetics (formerly Invitae), Labcorp).